The following is an entry in ClinVar:

ClinVar aggregate classification (germline): Uncertain significance (1 of 4 stars; one submission).

Allele frequency attached by ClinVar (database versions not stated): gnomAD exomes 0.00001.
gnomAD v4.1: 8 of 1,603,726 alleles (0.0005%); highest among the groups gnomAD compares: East Asian, 0.018%; no homozygotes.

Submission:

Ambry Genetics
Classification: Uncertain significance. Last evaluated: 2022-11-10. Review status: criteria provided, single submitter. Criteria: Ambry Variant Classification Scheme 2023. Collection method: clinical testing. Allele origin: germline.
Comment: The p.T142I variant (also known as c.425C>T), located in coding exon 3 of the IDH1 gene, results from a C to T substitution at nucleotide position 425. The threonine at codon 142 is replaced by isoleucine, an amino acid with similar properties. This amino acid position is conserved. In addition, the in silico prediction for this alteration is inconclusive. Since supporting evidence is limited at this time, the clinical significance of this alteration remains unclear.

NM_005896.4(IDH1):c.425C>T (p.Thr142Ile)

Gene: IDH1 (isocitrate dehydrogenase (NADP(+)) 1; minus strand). Cytogenetic location: 2q34.
Variant type: single nucleotide variant.
Coding change: c.425C>T on transcript NM_005896.4 (MANE Select); coding-DNA position 425, C replaced by T.
Protein change: p.Thr142Ile; replaces threonine 142 with isoleucine.
Molecular consequence: missense variant.
Genome position (GRCh38, 1-based): chr2:208,245,414, G>A on the plus strand (C>T on the coding strand, the complement: IDH1 is on the minus strand). VCF-style: chr2-208245414-G-A. GRCh37 (hg19) VCF-style: chr2-209110138-G-A.
Other names: c.425C>T, p.Thr142Ile (NM_001282386.1, NM_001282387.1); short protein forms T142I.
Identifiers: ClinVar variation 2491938 (VCV002491938.2), dbSNP rs1315254690, ClinGen allele CA350100482.